The following is an entry in ClinVar:

ClinVar aggregate classification (germline): Uncertain significance (1 of 4 stars; one submission).

Conditions:
Early-infantile DEE. Also called: Ohtahara syndrome; Early infantile epileptic encephalopathy; Early infantile epileptic encephalopathy with suppression bursts. Identifiers: Orphanet 1934, MedGen C0393706, MONDO:0800491.

Allele frequency attached by ClinVar (database versions not stated): TOPMed 0.00001.

Submission:

Labcorp Genetics (formerly Invitae), Labcorp
Classification: Uncertain significance for Early-infantile DEE. Last evaluated: 2023-11-02. Review status: criteria provided, single submitter. Criteria: Invitae Variant Classification Sherloc (09022015). Collection method: clinical testing. Allele origin: germline.
Comment: This sequence change replaces proline, which is neutral and non-polar, with leucine, which is neutral and non-polar, at codon 744 of the KCNQ2 protein (p.Pro744Leu). This variant is not present in population databases (gnomAD no frequency). This variant has not been reported in the literature in individuals affected with KCNQ2-related conditions. An algorithm developed to predict the effect of missense changes on protein structure and function (PolyPhen-2) suggests that this variant is likely to be disruptive. In summary, the available evidence is currently insufficient to determine the role of this variant in disease. Therefore, it has been classified as a Variant of Uncertain Significance.

NM_172107.4(KCNQ2):c.2231C>T (p.Pro744Leu)

Gene: KCNQ2 (potassium voltage-gated channel subfamily Q member 2; minus strand). Cytogenetic location: 20q13.33.
Variant type: single nucleotide variant.
Coding change: c.2231C>T on transcript NM_172107.4 (MANE Select); coding-DNA position 2231, C replaced by T.
Protein change: p.Pro744Leu; replaces proline 744 with leucine.
Molecular consequence: missense variant.
Genome position (GRCh38, 1-based): chr20:63,407,032, G>A on the plus strand (C>T on the coding strand, the complement: KCNQ2 is on the minus strand). VCF-style: chr20-63407032-G-A. GRCh37 (hg19) VCF-style: chr20-62038385-G-A.
Other names: c.2285C>T, p.Pro762Leu (NM_001382235.1); c.2147C>T, p.Pro716Leu (NM_004518.6); c.2177C>T, p.Pro726Leu (NM_172106.3); c.2138C>T, p.Pro713Leu (NM_172108.5); short protein forms P716L, P744L, P713L, P726L, P762L.
Identifiers: ClinVar variation 2990389 (VCV002990389.3), dbSNP rs1251247642, ClinGen allele CA409638349.